The following is an entry in ClinVar:

NM_002693.3(POLG):c.2395del (p.Ser799fs)

Gene: POLG (DNA polymerase gamma, catalytic subunit; minus strand). Cytogenetic location: 15q26.1.
Variant type: Deletion.
Coding change: c.2395del on transcript NM_002693.3 (MANE Select); coding-DNA position 2395, one base deleted (T; older notation c.2395delT).
Protein change: p.Ser799fs; shifts the reading frame from serine 799.
Molecular consequence: frameshift variant.
Genome position (GRCh38, 1-based): chr15:89,322,773, A deleted on the plus strand (T on the coding strand, the reverse complement: POLG is on the minus strand); the first of 3 consecutive A bases (chr15:89,322,773-89,322,775); deleting any one gives the same sequence. VCF-style (leftmost placement, unchanged base first): chr15-89322772-GA-G. GRCh37 (hg19) VCF-style: chr15-89866003-GA-G.
Other names: c.2395del, p.Ser799fs (NM_001126131.2); c.2395delT (NM_002693.2); short protein forms S799fs.
Identifiers: ClinVar variation 206632 (VCV000206632.6), dbSNP rs796052919, ClinGen allele CA316901.

ClinVar aggregate classification (germline): Pathogenic/Likely pathogenic. Review status: criteria provided, multiple submitters, no conflicts (2 of 4 stars). 5 submissions from 5 submitters: Pathogenic (4); Likely pathogenic (1). Last evaluated 2025-06-15.

Conditions:
POLG-related disorder. Also called: POLG-related condition; POLG-Related Disorders; POLG-Related Spectrum Disorders. Identifiers: MedGen C4763519.
Progressive sclerosing poliodystrophy (MTDPS4A). Also called: ALPERS PROGRESSIVE INFANTILE POLIODYSTROPHY; ALPERS DIFFUSE DEGENERATION OF CEREBRAL GRAY MATTER WITH HEPATIC CIRRHOSIS; Alpers-Huttenlocher Syndrome; Mitochondrial DNA Depletion Syndrome 4A; Alpers-Huttenlocher Syndrome (AHS); Alpers Syndrome. Identifiers: Orphanet 726, MedGen C0205710, MONDO:0008758, OMIM 203700.

Submissions (5):

Labcorp Genetics (formerly Invitae), Labcorp
Classification: Pathogenic for Progressive sclerosing poliodystrophy. Last evaluated: 2025-06-15. Review status: criteria provided, single submitter. Criteria: Invitae Variant Classification Sherloc (09022015). Collection method: clinical testing. Allele origin: germline.
Comment: This sequence change creates a premature translational stop signal (p.Ser799Leufs*27) in the POLG gene. It is expected to result in an absent or disrupted protein product. Loss-of-function variants in POLG are known to be pathogenic (PMID: 18546365). This variant is not present in population databases (gnomAD no frequency). This variant has not been reported in the literature in individuals affected with POLG-related conditions. ClinVar contains an entry for this variant (Variation ID: 206632). For these reasons, this variant has been classified as Pathogenic.

Myriad Genetics, Inc.
Classification: Pathogenic for POLG-related disorder. Last evaluated: 2024-04-23. Review status: criteria provided, single submitter. Criteria: Myriad Autosomal Dominant, Autosomal Recessive and X-Linked Classification Criteria (2023). Collection method: clinical testing. Allele origin: unknown.
Comment: NM_002693.2(POLG):c.2395delT(S799Lfs*27) is expected to be pathogenic in the context of POLG-related disorders. This variant is predicted to lead to an abnormal or absent protein product due to the creation of a premature termination codon in POLG, a gene where loss-of-function variants are known to be pathogenic. Please note: this variant was assessed in the context of healthy population screening.

Baylor Genetics
Classification: Likely pathogenic for Progressive sclerosing poliodystrophy. Last evaluated: 2023-08-29. Review status: criteria provided, single submitter. Criteria: ACMG Guidelines, 2015. Collection method: clinical testing. Allele origin: unknown.

Wong Mito Lab, Molecular and Human Genetics, Baylor College of Medicine
Classification: Pathogenic for Progressive sclerosing poliodystrophy. Last evaluated: 2018-10-01. Review status: criteria provided, single submitter. Criteria: ACMG Guidelines, 2015. Collection method: clinical testing. Allele origin: germline.
Comment: The NM_002693.2:c.2395del (NP_002684.1:p.Ser799LeufsTer27) [GRCH38: NC_000015.10:g.89322775del] variant in POLG gene is interpretated to be a Pathogenic based on ACMG guidelines (PMID: 25741868). This variant meets the following evidence codes reported in the ACMG-guideline. PVS1:This variant is a predicted null variant in POLG where loss of function is a known mechanism of disease. PM2:This variant is absent in key population databases. PM3:Detected in trans with a pathogenic variant for Mitochondrial DNA depletion syndrome 4A (Alpers type) which is a recessive disorder. PM4:This variant causes alteration in the length of expressed protein. PP1:This variant is co-segregated with Mitochondrial DNA depletion syndrome 4A (Alpers type) in multiple affected family members. PP4:Patient's phenotype or family history is highly specific for POLG. Based on the evidence criteria codes applied, the variant is suggested to be Pathogenic.

GeneDx
Classification: Pathogenic. Last evaluated: 2014-11-14. Review status: criteria provided, single submitter. Criteria: GeneDx Variant Classification (06012015). Collection method: clinical testing. Allele origin: germline. Affected: yes.
Comment: c.2395delT: p.Ser799LeufsX27 (S799LfsX27) in exon 14 of the POLG gene (NM_002693.2). The normal sequence with the base that is deleted in braces is: GATT{T}CTTT. The c.2395delT mutation in the POLG gene causes a frameshift starting with codon Serine 799, changes this amino acid to a Leucine residue and creates a premature Stop codon at position 27 of the new reading frame, denoted p.Ser799LeufsX27. This mutation is predicted to cause loss of normal protein function either through protein truncation or nonsense-mediated mRNA decay. Although this mutation has not been previously reported to our knowledge, other frameshift mutations have been reported in the POLG gene in association with POLG-related disorders. Therefore, c.2395delT is considered a disease-causing mutation. The variant is found in INFANT-EPI panel(s).

Literature cited by the submitters: PubMed 18546365 (cited by Labcorp Genetics (formerly Invitae), Labcorp).